The following is an entry in ClinVar:

ClinVar aggregate classification (germline): Likely benign. Review status: criteria provided, multiple submitters, no conflicts (2 of 4 stars). 3 submissions from 3 submitters: Likely benign (3). Last evaluated 2026-06-05.

Conditions:
Cardiovascular phenotype. Identifiers: MedGen CN230736.
APOB-related disorder. Also called: APOB-related disorders; APOB-related condition.
Familial hypobetalipoproteinemia 1. Also called: APOB-Related Familial Hypobetalipoproteinemia; Hypobetalipoproteinemia, normotriglyceridemic; Acanthocytosis with hypobetalipoproteinemia. Identifiers: MedGen C4551990, MONDO:0014252, OMIM 615558.
Hypercholesterolemia, autosomal dominant, type B (FHCL2). Also called: APOLIPOPROTEIN B-100, FAMILIAL DEFECTIVE; APOLIPOPROTEIN B-100, FAMILIAL LIGAND-DEFECTIVE; APOB-Related Familial Hypercholesterolemia, Autosomal Dominant; Familial Hypercholesterolemia Type B; HYPERCHOLESTEROLEMIA, FAMILIAL, DUE TO LIGAND-DEFECTIVE APOLIPOPROTEIN B; Familial hypercholesterolemia 2. Identifiers: MedGen C1704417, MONDO:0007751, OMIM 144010.

Allele frequency attached by ClinVar (database versions not stated): gnomAD 0.00001; TOPMed 0.00005.
gnomAD v4.1: 5 of 1,613,952 alleles (0.00031%); highest among the groups gnomAD compares: Non-Finnish European, 0.00042%; no homozygotes.

Submissions (3):

PreventionGenetics, part of Exact Sciences
Classification: Likely benign for APOB-related condition. Last evaluated: 2026-06-05. Review status: criteria provided, single submitter. Criteria: ACMG Guidelines, 2015. Collection method: clinical testing. Allele origin: germline.
Comment: This variant is classified as likely benign based on ACMG/AMP sequence variant interpretation guidelines (Richards et al. 2015 PMID: 25741868, with internal and published modifications).

Ambry Genetics
Classification: Likely benign for Cardiovascular phenotype. Last evaluated: 2024-08-14. Review status: criteria provided, single submitter. Criteria: Ambry Variant Classification Scheme 2023. Collection method: clinical testing. Allele origin: germline.

Labcorp Genetics (formerly Invitae), Labcorp
Classification: Likely benign for Familial hypobetalipoproteinemia 1; Hypercholesterolemia, autosomal dominant, type B. Last evaluated: 2022-10-25. Review status: criteria provided, single submitter. Criteria: Invitae Variant Classification Sherloc (09022015). Collection method: clinical testing. Allele origin: germline.

NM_000384.3(APOB):c.9072T>C (p.His3024=)

Gene: APOB (apolipoprotein B; minus strand). Cytogenetic location: 2p24.1.
Variant type: single nucleotide variant.
Coding change: c.9072T>C on transcript NM_000384.3 (MANE Select); coding-DNA position 9072, T replaced by C.
Protein change: p.His3024=; no amino-acid change (histidine 3024 retained).
Molecular consequence: synonymous variant.
Genome position (GRCh38, 1-based): chr2:21,007,796, A>G on the plus strand (T>C on the coding strand, the complement: APOB is on the minus strand). VCF-style: chr2-21007796-A-G. GRCh37 (hg19) VCF-style: chr2-21230668-A-G.
Other names: c.9072T>C (NM_000384.2).
Identifiers: ClinVar variation 2140755 (VCV002140755.6), dbSNP rs746604590, ClinGen allele CA425344437.